The following is an entry in ClinVar:

ClinVar aggregate classification (germline): Uncertain significance. Review status: criteria provided, multiple submitters, no conflicts (2 of 4 stars). 2 submissions from 2 submitters: Uncertain significance (2). Last evaluated 2024-10-14.

Conditions:
Cardiovascular phenotype. Identifiers: MedGen CN230736.
Noonan syndrome 9 (NS9). Identifiers: Orphanet 648, MedGen C4225282, MONDO:0014691, OMIM 616559.

Allele frequency attached by ClinVar (database versions not stated): gnomAD exomes below 0.00001.
gnomAD v4.1: 1 of 1,603,444 alleles (0.000062%); highest among the groups gnomAD compares: South Asian, 0.0011%; no homozygotes.

Submissions (2):

Ambry Genetics
Classification: Uncertain significance for Cardiovascular phenotype. Last evaluated: 2024-10-14. Review status: criteria provided, single submitter. Criteria: Ambry Variant Classification Scheme 2023. Collection method: clinical testing. Allele origin: germline.
Comment: The p.A62V variant (also known as c.185C>T), located in coding exon 2 of the SOS2 gene, results from a C to T substitution at nucleotide position 185. The alanine at codon 62 is replaced by valine, an amino acid with similar properties. This amino acid position is conserved. In addition, the in silico prediction for this alteration is inconclusive. Based on the available evidence, the clinical significance of this variant remains unclear.

Labcorp Genetics (formerly Invitae), Labcorp
Classification: Uncertain significance for Noonan syndrome 9. Last evaluated: 2022-05-03. Review status: criteria provided, single submitter. Criteria: Invitae Variant Classification Sherloc (09022015). Collection method: clinical testing. Allele origin: germline.
Comment: This variant is not present in population databases (gnomAD no frequency). In summary, the available evidence is currently insufficient to determine the role of this variant in disease. Therefore, it has been classified as a Variant of Uncertain Significance. Advanced modeling of protein sequence and biophysical properties (such as structural, functional, and spatial information, amino acid conservation, physicochemical variation, residue mobility, and thermodynamic stability) performed at Invitae indicates that this missense variant is not expected to disrupt SOS2 protein function. ClinVar contains an entry for this variant (Variation ID: 966201). This variant has not been reported in the literature in individuals affected with SOS2-related conditions. This sequence change replaces alanine, which is neutral and non-polar, with valine, which is neutral and non-polar, at codon 62 of the SOS2 protein (p.Ala62Val).

NM_006939.4(SOS2):c.185C>T (p.Ala62Val)

Gene: SOS2 (SOS Ras/Rho guanine nucleotide exchange factor 2; minus strand). Cytogenetic location: 14q21.3.
Variant type: single nucleotide variant.
Coding change: c.185C>T on transcript NM_006939.4 (MANE Select); coding-DNA position 185, C replaced by T.
Protein change: p.Ala62Val; replaces alanine 62 with valine.
Molecular consequence: missense variant.
Genome position (GRCh38, 1-based): chr14:50,204,312, G>A on the plus strand (C>T on the coding strand, the complement: SOS2 is on the minus strand). VCF-style: chr14-50204312-G-A. GRCh37 (hg19) VCF-style: chr14-50671030-G-A.
Other names: short protein forms A62V.
Identifiers: ClinVar variation 966201 (VCV000966201.10), dbSNP rs1886594687, ClinGen allele CA389651075.